The following is an entry in ClinVar:

NM_198576.4(AGRN):c.1126G>A (p.Ala376Thr)

Gene: AGRN (agrin; plus strand). Cytogenetic location: 1p36.33.
Variant type: single nucleotide variant.
Coding change: c.1126G>A on transcript NM_198576.4 (MANE Select); coding-DNA position 1126, G replaced by A.
Protein change: p.Ala376Thr; replaces alanine 376 with threonine.
Molecular consequence: missense variant.
Genome position (GRCh38, 1-based): chr1:1,041,651, G>A. VCF-style: chr1-1041651-G-A. GRCh37 (hg19) VCF-style: chr1-977031-G-A.
Other names: c.1126G>A, p.Ala376Thr (NM_001305275.2); c.811G>A, p.Ala271Thr (NM_001364727.2); short protein forms A271T, A376T.
Identifiers: ClinVar variation 949544 (VCV000949544.7), dbSNP rs1455286726, ClinGen allele CA337827268.

ClinVar aggregate classification (germline): Uncertain significance (1 of 4 stars; one submission).

Conditions:
Congenital myasthenic syndrome 8. Also called: Myasthenic syndrome, congenital, 8, with pre- and postsynaptic defects; MYASTHENIC SYNDROME, CONGENITAL, DUE TO AGRIN DEFICIENCY. Identifiers: Orphanet 590, MedGen C3808739, MONDO:0014052, OMIM 615120.

Allele frequency attached by ClinVar (database versions not stated): gnomAD 0.00001; TOPMed below 0.00001; gnomAD exomes 0.00001.
gnomAD v4.1: 10 of 1,610,954 alleles (0.00062%); highest among the groups gnomAD compares: Non-Finnish European, 0.00085%; no homozygotes.

Submission:

Labcorp Genetics (formerly Invitae), Labcorp
Classification: Uncertain significance for Congenital myasthenic syndrome 8. Last evaluated: 2021-08-27. Review status: criteria provided, single submitter. Criteria: Invitae Variant Classification Sherloc (09022015). Collection method: clinical testing. Allele origin: germline.
Comment: This sequence change replaces alanine with threonine at codon 376 of the AGRN protein (p.Ala376Thr). The alanine residue is weakly conserved and there is a small physicochemical difference between alanine and threonine. This variant is not present in population databases (ExAC no frequency). This variant has not been reported in the literature in individuals affected with AGRN-related conditions. Algorithms developed to predict the effect of missense changes on protein structure and function output the following: SIFT: "Tolerated"; PolyPhen-2: "Possibly Damaging"; Align-GVGD: "Class C0". The threonine amino acid residue is found in multiple mammalian species, which suggests that this missense change does not adversely affect protein function. In summary, the available evidence is currently insufficient to determine the role of this variant in disease. Therefore, it has been classified as a Variant of Uncertain Significance.